The following is an entry in ClinVar:

ClinVar aggregate classification (germline): Uncertain significance (1 of 4 stars; one submission).

Allele frequency attached by ClinVar (database versions not stated): gnomAD exomes below 0.00001; ExAC 0.00001.

Submission:

Labcorp Genetics (formerly Invitae), Labcorp
Classification: Uncertain significance. Last evaluated: 2022-08-16. Review status: criteria provided, single submitter. Criteria: Invitae Variant Classification Sherloc (09022015). Collection method: clinical testing. Allele origin: germline.
Comment: In summary, the available evidence is currently insufficient to determine the role of this variant in disease. Therefore, it has been classified as a Variant of Uncertain Significance. Algorithms developed to predict the effect of missense changes on protein structure and function output the following: SIFT: "Deleterious"; PolyPhen-2: "Not Available"; Align-GVGD: "Class C0". The serine amino acid residue is found in multiple mammalian species, which suggests that this missense change does not adversely affect protein function. ClinVar contains an entry for this variant (Variation ID: 1390602). This variant has not been reported in the literature in individuals affected with PDZD7-related conditions. The frequency data for this variant in the population databases is considered unreliable, as metrics indicate poor data quality at this position in the gnomAD database. This sequence change replaces glycine, which is neutral and non-polar, with serine, which is neutral and polar, at codon 8 of the PDZD7 protein (p.Gly8Ser).

NM_001195263.2(PDZD7):c.22G>A (p.Gly8Ser)

Gene: PDZD7 (PDZ domain containing 7; minus strand). Cytogenetic location: 10q24.31.
Variant type: single nucleotide variant.
Coding change: c.22G>A on transcript NM_001195263.2 (MANE Select); coding-DNA position 22, G replaced by A.
Protein change: p.Gly8Ser; replaces glycine 8 with serine.
Molecular consequence: missense variant.
Genome position (GRCh38, 1-based): chr10:101,030,198, C>T on the plus strand (G>A on the coding strand, the complement: PDZD7 is on the minus strand). VCF-style: chr10-101030198-C-T. GRCh37 (hg19) VCF-style: chr10-102789955-C-T.
Other names: c.22G>A, p.Gly8Ser (NM_001351044.2, NM_024895.5); short protein forms G8S.
Identifiers: ClinVar variation 1390602 (VCV001390602.6), dbSNP rs762203387, ClinGen allele CA5654527.
Genomic context (GRCh38, chr10:101,030,198, plus strand): 5'-GGGAGGAGAGGGAGCTCAGAGAGCCGGAGCTCAGGTCTCCTAGGCCCAGTGGGTCGAAGC[C>T]CACTGCGAAACCCTGCGCCATGGCGGCTGGGCTAGGGCGGCACCCTACAGGTCCAGAAGG-3'
Protein context (NP_001182192.1, residues 1-18): MAQGFAV[Gly8Ser]FDPLGLGDLS